The following is an entry in ClinVar:

NM_001367873.1(SOX6):c.1626A>T (p.Glu542Asp)

Gene: SOX6 (SRY-box transcription factor 6; minus strand). Cytogenetic location: 11p15.2.
Variant type: single nucleotide variant.
Coding change: c.1626A>T on transcript NM_001367873.1 (MANE Select); coding-DNA position 1626, A replaced by T.
Protein change: p.Glu542Asp; replaces glutamic acid 542 with aspartic acid.
Molecular consequence: missense variant.
Genome position (GRCh38, 1-based): chr11:16,015,048, T>A on the plus strand (A>T on the coding strand, the complement: SOX6 is on the minus strand). VCF-style: chr11-16015048-T-A. GRCh37 (hg19) VCF-style: chr11-16036594-T-A.
Other names: c.1545A>T, p.Glu515Asp (NM_001145811.2, NM_017508.3); c.1626A>T, p.Glu542Asp (NM_001145819.2, NM_033326.3); c.1503A>T, p.Glu501Asp (NM_001367872.1); short protein forms E501D, E515D, E542D.
Identifiers: ClinVar variation 4071936 (VCV004071936.1).

ClinVar aggregate classification (germline): Uncertain significance (1 of 4 stars; one submission).

Submission:

GeneDx
Classification: Uncertain significance. Last evaluated: 2025-01-28. Review status: criteria provided, single submitter. Criteria: GeneDx Variant Classification Process June 2021. Collection method: clinical testing. Allele origin: germline. Affected: yes.
Comment: Not observed at significant frequency in large population cohorts (gnomAD); In silico analysis indicates that this missense variant does not alter protein structure/function; Has not been previously published as pathogenic or benign to our knowledge